The following is an entry in ClinVar:

ClinVar aggregate classification (germline): Pathogenic (1 of 4 stars; one submission).

Conditions:
Neuropathy, hereditary sensory, type 2C. Also called: KIF1A-Related HSAN2 (HSAN2C); Hereditary sensory and autonomic neuropathy type IIC. Identifiers: Orphanet 970, MedGen C3280168, MONDO:0013634, OMIM 614213.
Hereditary spastic paraplegia 30. Identifiers: Orphanet 101010, MedGen C5235139, MONDO:0012476.
Intellectual disability, autosomal dominant 9 (NESCAVS). Also called: NESCAV SYNDROME; KIF1A-Related Neurodevelopmental Disorder. Identifiers: Orphanet 662367, MedGen C5393830, MONDO:0013656, OMIM 614255.

Submission:

Labcorp Genetics (formerly Invitae), Labcorp
Classification: Pathogenic for Hereditary spastic paraplegia 30; Neuropathy, hereditary sensory, type 2C; Intellectual disability, autosomal dominant 9. Last evaluated: 2024-03-07. Review status: criteria provided, single submitter. Criteria: Invitae Variant Classification Sherloc (09022015). Collection method: clinical testing. Allele origin: germline.
Comment: This sequence change creates a premature translational stop signal (p.Gln1568*) in the KIF1A gene. It is expected to result in an absent or disrupted protein product. Loss-of-function variants in KIF1A are known to be pathogenic (PMID: 21820098). This variant is not present in population databases (gnomAD no frequency). This variant has not been reported in the literature in individuals affected with KIF1A-related conditions. For these reasons, this variant has been classified as Pathogenic.

Literature cited by the submitters: PubMed 21820098.

NM_001244008.2(KIF1A):c.5005C>T (p.Gln1669Ter)

Gene: KIF1A (kinesin family member 1A; minus strand). Cytogenetic location: 2q37.3.
Variant type: single nucleotide variant.
Coding change: c.5005C>T on transcript NM_001244008.2 (MANE Select); coding-DNA position 5005, C replaced by T.
Protein change: p.Gln1669Ter; replaces glutamine 1669 with a stop codon.
Molecular consequence: nonsense.
Genome position (GRCh38, 1-based): chr2:240,719,790, G>A on the plus strand (C>T on the coding strand, the complement: KIF1A is on the minus strand). VCF-style: chr2-240719790-G-A. GRCh37 (hg19) VCF-style: chr2-241659207-G-A.
Other names: c.4729C>T, p.Gln1577Ter (NM_001320705.2, NM_001379649.1); c.4756C>T, p.Gln1586Ter (NM_001330289.2); c.4804C>T, p.Gln1602Ter (NM_001330290.2, NM_001379648.1); c.5080C>T, p.Gln1694Ter (NM_001379631.1); c.4981C>T, p.Gln1661Ter (NM_001379632.1); c.4978C>T, p.Gln1660Ter (NM_001379633.1, NM_001379645.1); c.4831C>T, p.Gln1611Ter (NM_001379634.1); c.4828C>T, p.Gln1610Ter (NM_001379635.1, NM_001379646.1); and 7 more; short protein forms Q1577*, Q1593*, Q1602*, Q1567*, Q1585*, Q1694*, Q1568*, Q1586*.
Identifiers: ClinVar variation 2947384 (VCV002947384.3), dbSNP rs2536614499, ClinGen allele CA351299953.